The following is an entry in ClinVar:

ClinVar aggregate classification (germline): Benign. Review status: criteria provided, multiple submitters, no conflicts (2 of 4 stars). 4 submissions from 3 submitters: Benign (4). Last evaluated 2018-06-26.

Conditions:
GTP cyclohydrolase I deficiency. Identifiers: MedGen C0268467, MONDO:0100184.
Dystonia 5 (DRD). Also called: DYSTONIA, PROGRESSIVE, WITH DIURNAL VARIATION; DYSTONIA-PARKINSONISM WITH DIURNAL FLUCTUATION; Dystonia, DOPA-responsive, with or without hyperphenylalaninemia; GTP Cyclohydrolase 1-Deficient Dopa-Responsive Dystonia; DYT-GCH1. Identifiers: Orphanet 98808, MedGen C1851920, MONDO:0007495, OMIM 128230.

Allele frequency attached by ClinVar (database versions not stated): 1000 Genomes Project 0.94569; TOPMed 0.95822; gnomAD 0.95944 and 0.96017; gnomAD exomes 0.99058.
gnomAD v4.1: 1,276,726 of 1,294,014 alleles (99%); highest among the groups gnomAD compares: Non-Finnish European, 100%; 630,444 homozygotes.

Submissions (4):

GeneDx
Classification: Benign. Last evaluated: 2018-06-26. Review status: criteria provided, single submitter. Criteria: GeneDx Variant Classification Process June 2021. Collection method: clinical testing. Allele origin: germline. Affected: yes.

Illumina Laboratory Services, Illumina
Classification: Benign for GTP cyclohydrolase I deficiency with hyperphenylalaninemia. Last evaluated: 2018-01-12. Review status: criteria provided, single submitter. Criteria: ICSL Variant Classification Criteria 13 December 2019. Collection method: clinical testing. Allele origin: germline.
Comment: This variant was observed in the ICSL laboratory as part of a predisposition screen in an ostensibly healthy population. It had not been previously curated by ICSL or reported in the Human Gene Mutation Database (HGMD: prior to June 1st, 2018), and was therefore a candidate for classification through an automated scoring system. Utilizing variant allele frequency, disease prevalence and penetrance estimates, and inheritance mode, an automated score was calculated to assess if this variant is too frequent to cause the disease. Based on the score and internal cut-off values, a variant classified as benign is not then subjected to further curation. The score for this variant resulted in a classification of benign for this disease.

Illumina Laboratory Services, Illumina
Classification: Benign for Dystonia 5. Last evaluated: 2018-01-12. Review status: criteria provided, single submitter. Criteria: ICSL Variant Classification Criteria 13 December 2019. Collection method: clinical testing. Allele origin: germline.
Comment: the same text as in the submission from Illumina Laboratory Services, Illumina above.

Breakthrough Genomics
Classification: Benign. Review status: criteria provided, single submitter. Criteria: ACMG Guidelines, 2015. Collection method: not provided. Allele origin: germline. Inheritance: Autosomal recessive inheritance. Affected: yes.

NM_000161.3(GCH1):c.-121T>C

Genes: GCH1 (GTP cyclohydrolase 1; minus strand), LOC130055692 (ATAC-STARR-seq lymphoblastoid silent region 5776; plus strand). Cytogenetic location: 14q22.2.
Variant type: single nucleotide variant.
Coding change: c.-121T>C on transcript NM_000161.3 (MANE Select); 121 bases upstream of the start codon, T replaced by C.
Molecular consequence: 5 prime UTR variant.
Genome position (GRCh38, 1-based): chr14:54,902,784, A>G on the plus strand (T>C on the coding strand, the complement: GCH1 is on the minus strand). VCF-style: chr14-54902784-A-G. GRCh37 (hg19) VCF-style: chr14-55369502-A-G.
Other names: c.-121T>C (NM_001024024.2, NM_001024070.2, NM_001024071.2).
Identifiers: ClinVar variation 313404 (VCV000313404.9), dbSNP rs1753589, ClinGen allele CA10644325.